The following is an entry in ClinVar:

NM_001614.5(ACTG1):c.166G>A (p.Asp56Asn)

Gene: ACTG1 (actin gamma 1; minus strand). Cytogenetic location: 17q25.3.
Variant type: single nucleotide variant.
Coding change: c.166G>A on transcript NM_001614.5 (MANE Select); coding-DNA position 166, G replaced by A.
Protein change: p.Asp56Asn; replaces aspartic acid 56 with asparagine.
Molecular consequence: missense variant. On other transcripts: non-coding transcript variant (1).
Genome position (GRCh38, 1-based): chr17:81,512,100, C>T on the plus strand (G>A on the coding strand, the complement: ACTG1 is on the minus strand). VCF-style: chr17-81512100-C-T. GRCh37 (hg19) VCF-style: chr17-79479126-C-T.
Other names: DFNA26; c.166G>A, p.Asp56Asn (NM_001199954.3); c.166G>A (NM_001199954.2); short protein forms D56N.
Identifiers: ClinVar variation 1709674 (VCV001709674.3), dbSNP rs2544392222, ClinGen allele CA401463262.

ClinVar aggregate classification (germline): Uncertain significance. Review status: criteria provided, multiple submitters, no conflicts (2 of 4 stars). 2 submissions from 2 submitters: Uncertain significance (2). Last evaluated 2024-12-15.

Conditions:
Autosomal dominant nonsyndromic hearing loss 20. Identifiers: Orphanet 90635, MedGen C1858172, MONDO:0011480, OMIM 604717.
Baraitser-winter syndrome 2. Identifiers: Orphanet 2995, MedGen C3281235, MONDO:0013812, OMIM 614583.

Submissions (2):

Laboratory of Prof. Karen Avraham, Tel Aviv University
Classification: Uncertain significance for Autosomal dominant nonsyndromic hearing loss 20. Last evaluated: 2024-12-15. Review status: criteria provided, single submitter. Criteria: ACMG Guidelines, 2015. Collection method: research. Allele origin: germline. Affected: yes. Observed: 1 variant allele.
Comment: The ACTG1 c.166G>A:p.(Asp56Asn) variant is predicted deleterious by most prediction tools and is not found in gnomAD. There are many known dominant missense pathogenic variants in the same region of the gene.

MGZ Medical Genetics Center
Classification: Uncertain significance for Baraitser-winter syndrome 2. Last evaluated: 2022-07-27. Review status: criteria provided, single submitter. Criteria: ACMG Guidelines, 2015. Collection method: clinical testing. Allele origin: germline. Affected: yes. Observed: 1 variant allele.
Comment: ACMG criteria applied: PM2_SUP, PP2, PP3